The following is an entry in ClinVar:

NM_005883.3(APC2):c.3302A>G (p.Glu1101Gly)

Gene: APC2 (APC regulator of Wnt signaling pathway 2; plus strand). Cytogenetic location: 19p13.3.
Variant type: single nucleotide variant.
Coding change: c.3302A>G on transcript NM_005883.3 (MANE Select); coding-DNA position 3302, A replaced by G.
Protein change: p.Glu1101Gly; replaces glutamic acid 1101 with glycine.
Molecular consequence: missense variant.
Genome position (GRCh38, 1-based): chr19:1,466,603, A>G. VCF-style: chr19-1466603-A-G. GRCh37 (hg19) VCF-style: chr19-1466602-A-G.
Other names: c.3299A>G, p.Glu1100Gly (NM_001351273.1); short protein forms E1100G, E1101G.
Identifiers: ClinVar variation 4681074 (VCV004681074.1).

ClinVar aggregate classification (germline): Uncertain significance (1 of 4 stars; one submission).

Submission:

GeneDx
Classification: Uncertain significance. Last evaluated: 2025-07-03. Review status: criteria provided, single submitter. Criteria: GeneDx Variant Classification Process June 2021. Collection method: clinical testing. Allele origin: germline. Affected: yes.
Comment: Not observed at significant frequency in large population cohorts (gnomAD); In silico analysis supports that this missense variant has a deleterious effect on protein structure/function; Has not been previously published as pathogenic or benign to our knowledge